The following is an entry in ClinVar:

NM_000023.4(SGCA):c.292C>A (p.Arg98Ser)

Gene: SGCA (sarcoglycan alpha; plus strand). Cytogenetic location: 17q21.33.
Variant type: single nucleotide variant.
Coding change: c.292C>A on transcript NM_000023.4 (MANE Select); coding-DNA position 292, C replaced by A.
Protein change: p.Arg98Ser; replaces arginine 98 with serine.
Molecular consequence: missense variant. On other transcripts: non-coding transcript variant (1).
Genome position (GRCh38, 1-based): chr17:50,167,716, C>A. VCF-style: chr17-50167716-C-A. GRCh37 (hg19) VCF-style: chr17-48245077-C-A.
Other names: c.292C>A, p.Arg98Ser (NM_001135697.3); short protein forms R98S.
Identifiers: ClinVar variation 3384982 (VCV003384982.2).
Genomic context (GRCh38, chr17:50,167,716, plus strand): 5'-TACACCCAGCGCAGCCCCCACCACCCTGGCTTCCTCTACGGCTCTGCCACCCCAGAAGAT[C>A]GTGGGCTCCAGGTCATTGAGGTGCCGTCAGGGACCCTGAGAAAATCACAGGGGTGGGCCA-3'
Protein context (NP_000014.1, residues 88-108): FLYGSATPED[Arg98Ser]GLQVIEVTAY

ClinVar aggregate classification (germline): Pathogenic/Likely pathogenic. Review status: criteria provided, multiple submitters, no conflicts (2 of 4 stars). 2 submissions from 2 submitters: Pathogenic (1); Likely pathogenic (1). Last evaluated 2025-12-30.

Conditions:
Autosomal recessive limb-girdle muscular dystrophy. Identifiers: Orphanet 102015, MedGen C2931907, MONDO:0015152.
Autosomal recessive limb-girdle muscular dystrophy type 2D (LGMDR3). Also called: ADHALINOPATHY, PRIMARY; DUCHENNE-LIKE AUTOSOMAL RECESSIVE MUSCULAR DYSTROPHY, TYPE 2; MUSCULAR DYSTROPHY, LIMB-GIRDLE, AUTOSOMAL RECESSIVE 3. Identifiers: Orphanet 62, MedGen C2936332, MONDO:0011968, OMIM 608099. Disease mechanism: Affects gamma-sarcoglycan and also disrupts the integrity of the entire sarcoglycan complex..

gnomAD v4.1: 3 of 1,611,858 alleles (0.00019%); highest among the groups gnomAD compares: Non-Finnish European, 0.00025%; no homozygotes.

Submissions (2):

Labcorp Genetics (formerly Invitae), Labcorp
Classification: Pathogenic for Autosomal recessive limb-girdle muscular dystrophy type 2D. Last evaluated: 2025-12-30. Review status: criteria provided, single submitter. Criteria: Invitae Variant Classification Sherloc (09022015). Collection method: clinical testing. Allele origin: germline.
Comment: This sequence change replaces arginine, which is basic and polar, with serine, which is neutral and polar, at codon 98 of the SGCA protein (p.Arg98Ser). This variant is not present in population databases (gnomAD no frequency). This missense change has been observed in individual(s) with limb-girdle muscular dystrophy (PMID: 18996010). ClinVar contains an entry for this variant (Variation ID: 3384982). Invitae Evidence Modeling of protein sequence and biophysical properties (such as structural, functional, and spatial information, amino acid conservation, physicochemical variation, residue mobility, and thermodynamic stability) indicates that this missense variant is expected to disrupt SGCA protein function with a positive predictive value of 95%. This variant disrupts the p.Arg98 amino acid residue in SGCA. Other variant(s) that disrupt this residue have been determined to be pathogenic (PMID: 9192266, 12746421, 22095924, 27120200). This suggests that this residue is clinically significant, and that variants that disrupt this residue are likely to be disease-causing. For these reasons, this variant has been classified as Pathogenic.

Women's Health and Genetics/Laboratory Corporation of America, LabCorp
Classification: Likely pathogenic for Autosomal recessive limb-girdle muscular dystrophy. Last evaluated: 2024-10-02. Review status: criteria provided, single submitter. Criteria: LabCorp Variant Classification Summary - May 2015. Collection method: clinical testing. Allele origin: germline.
Comment: Variant summary: SGCA c.292C>A (p.Arg98Ser) results in a non-conservative amino acid change located in the Dystroglycan-type cadherin-like domain (IPR006644) of the encoded protein sequence. Three of five in-silico tools predict a damaging effect of the variant on protein function. The variant was absent in 247066 control chromosomes (gnomAD). c.292C>A has been reported in the literature in a homozygous individual affected with Limb-Girdle Muscular Dystrophy, Autosomal Recessive. These data indicate that the variant may be associated with disease. Other variants affecting the same codon have been classified as pathogenic by our lab (c.292C>T/p.Arg98Cys, c.293G>A/p.Arg98His), supporting the critical relevance of codon 98 to SGCA protein function. To our knowledge, no experimental evidence demonstrating an impact on protein function has been reported. The following publication has been ascertained in the context of this evaluation (PMID: 18996010). No submitters have cited clinical-significance assessments for this variant to ClinVar. Based on the evidence outlined above, the variant was classified as likely pathogenic.

Literature cited by the submitters: PubMed 18996010 (cited by Labcorp Genetics (formerly Invitae), Labcorp and Women's Health and Genetics/Laboratory Corporation of America, LabCorp); PubMed 9192266 (cited by Labcorp Genetics (formerly Invitae), Labcorp); PubMed 12746421 (cited by Labcorp Genetics (formerly Invitae), Labcorp); PubMed 22095924 (cited by Labcorp Genetics (formerly Invitae), Labcorp); PubMed 27120200 (cited by Labcorp Genetics (formerly Invitae), Labcorp).